The following is an entry in ClinVar:

ClinVar aggregate classification (germline): Uncertain significance. Review status: criteria provided, multiple submitters, no conflicts (2 of 4 stars). 2 submissions from 2 submitters: Uncertain significance (2). Last evaluated 2025-04-27.

Conditions:
Neutropenia, severe congenital, 2, autosomal dominant. Identifiers: Orphanet 486, MedGen C2751288, MONDO:0013139, OMIM 613107.

Allele frequency attached by ClinVar (database versions not stated): gnomAD exomes 0.00004.
gnomAD v4.1: 61 of 1,612,874 alleles (0.0038%); highest among the groups gnomAD compares: Non-Finnish European, 0.0052%; no homozygotes.

Submissions (2):

Labcorp Genetics (formerly Invitae), Labcorp
Classification: Uncertain significance for Neutropenia, severe congenital, 2, autosomal dominant. Last evaluated: 2025-04-27. Review status: criteria provided, single submitter. Criteria: Invitae Variant Classification Sherloc (09022015). Collection method: clinical testing. Allele origin: germline.
Comment: This sequence change replaces leucine, which is neutral and non-polar, with phenylalanine, which is neutral and non-polar, at codon 27 of the GFI1 protein (p.Leu27Phe). This variant is not present in population databases (gnomAD no frequency). This variant has not been reported in the literature in individuals affected with GFI1-related conditions. ClinVar contains an entry for this variant (Variation ID: 1002135). An algorithm developed to predict the effect of missense changes on protein structure and function (PolyPhen-2) suggests that this variant is likely to be tolerated. In summary, the available evidence is currently insufficient to determine the role of this variant in disease. Therefore, it has been classified as a Variant of Uncertain Significance.

Ambry Genetics
Classification: Uncertain significance. Last evaluated: 2025-02-06. Review status: criteria provided, single submitter. Criteria: Ambry Variant Classification Scheme 2023. Collection method: clinical testing. Allele origin: germline.
Comment: The p.L27F variant (also known as c.79C>T), located in coding exon 1 of the GFI1 gene, results from a C to T substitution at nucleotide position 79. The leucine at codon 27 is replaced by phenylalanine, an amino acid with highly similar properties. This amino acid position is conserved. In addition, this alteration is predicted to be tolerated by in silico analysis. Based on the available evidence, the clinical significance of this variant remains unclear.

NM_005263.5(GFI1):c.79C>T (p.Leu27Phe)

Gene: GFI1 (growth factor independent 1 transcriptional repressor; minus strand). Cytogenetic location: 1p22.1.
Variant type: single nucleotide variant.
Coding change: c.79C>T on transcript NM_005263.5 (MANE Select); coding-DNA position 79, C replaced by T.
Protein change: p.Leu27Phe; replaces leucine 27 with phenylalanine.
Molecular consequence: missense variant.
Genome position (GRCh38, 1-based): chr1:92,483,409, G>A on the plus strand (C>T on the coding strand, the complement: GFI1 is on the minus strand). VCF-style: chr1-92483409-G-A. GRCh37 (hg19) VCF-style: chr1-92948966-G-A.
Other names: c.79C>T, p.Leu27Phe (NM_001127215.3, NM_001127216.3); c.79C>T (NM_005263.3); short protein forms L27F.
Identifiers: ClinVar variation 1002135 (VCV001002135.13), dbSNP rs1658376438, ClinGen allele CA341150740.